The following is an entry in ClinVar:

NM_000138.5(FBN1):c.2934dup (p.Ala979fs)

Gene: FBN1 (fibrillin 1; minus strand). Cytogenetic location: 15q21.1.
Variant type: Duplication.
Coding change: c.2934dup on transcript NM_000138.5 (MANE Select); coding-DNA position 2934, one base duplicated (C; older notation c.2934dupC).
Protein change: p.Ala979fs; shifts the reading frame from alanine 979.
Molecular consequence: frameshift variant.
Genome position (GRCh38, 1-based): chr15:48,489,999, G duplicated on the plus strand (C on the coding strand, the reverse complement: FBN1 is on the minus strand). VCF-style (leftmost placement, unchanged base first): chr15-48489998-C-CG. GRCh37 (hg19) VCF-style: chr15-48782195-C-CG.
Other names: c.2934dupC (NM_000138.4); short protein forms A979fs.
Identifiers: ClinVar variation 423725 (VCV000423725.5), dbSNP rs1555398821, ClinGen allele CA16619963.

ClinVar aggregate classification (germline): Pathogenic/Likely pathogenic. Review status: criteria provided, multiple submitters, no conflicts (2 of 4 stars). 2 submissions from 2 submitters: Pathogenic (1); Likely pathogenic (1). Last evaluated 2023-04-20.

Conditions:
Marfan syndrome (MFS). Also called: MARFAN SYNDROME, TYPE I; FBN1-Related Marfan Syndrome; Marfan syndrome type 1; Marfan's syndrome; Marfan syndrome, classic. Identifiers: Orphanet 284963, Orphanet 558, MedGen C0024796, MONDO:0007947, OMIM 154700.
Familial thoracic aortic aneurysm and aortic dissection (TAAD). Also called: Thoracic aortic aneurysms and dissections. Identifiers: Orphanet 91387, MedGen C4707243, MONDO:0019625.

Submissions (2):

Labcorp Genetics (formerly Invitae), Labcorp
Classification: Pathogenic for Marfan syndrome; Familial thoracic aortic aneurysm and aortic dissection. Last evaluated: 2023-04-20. Review status: criteria provided, single submitter. Criteria: Invitae Variant Classification Sherloc (09022015). Collection method: clinical testing. Allele origin: germline.
Comment: For these reasons, this variant has been classified as Pathogenic. ClinVar contains an entry for this variant (Variation ID: 423725). This variant has not been reported in the literature in individuals affected with FBN1-related conditions. This variant is not present in population databases (gnomAD no frequency). This sequence change creates a premature translational stop signal (p.Ala979Argfs*13) in the FBN1 gene. It is expected to result in an absent or disrupted protein product. Loss-of-function variants in FBN1 are known to be pathogenic (PMID: 17657824, 19293843).

GeneDx
Classification: Likely pathogenic. Last evaluated: 2017-02-17. Review status: criteria provided, single submitter. Criteria: GeneDx Variant Classification (06012015). Collection method: clinical testing. Allele origin: germline. Affected: yes.
Comment: Although the c.2934dupC likely pathogenic variant in the FBN1 gene has not been reported to our knowledge, this variant causes a shift in reading frame starting at codon Alanine 979, changing it to a Arginine, and creating a premature stop codon at position 13 of the new reading frame, denoted p.Ala979ArgfsX13. This variant is expected to result in either an abnormal, truncated protein product or loss of protein from this allele through nonsense-mediated mRNA decay. Other downstream frameshift variants in the FBN1 gene have been reported in Human Gene Mutation Database in association with Marfan syndrome (Stenson et al., 2014), indicating that loss of function is a mechanism of disease for this gene. Furthermore, the c.2934dupC variant has not been observed in large population cohorts (Lek et al., 2016; 1000 Genomes Consortium et al., 2015; Exome Variant Server).

Literature cited by the submitters: PubMed 17657824 (cited by Labcorp Genetics (formerly Invitae), Labcorp); PubMed 19293843 (cited by Labcorp Genetics (formerly Invitae), Labcorp).